The following is an entry in ClinVar:

ClinVar aggregate classification (germline): Conflicting classifications of pathogenicity. Review status: criteria provided, conflicting classifications (1 of 4 stars). 3 submissions from 3 submitters: Uncertain significance (1); Benign (1); Likely benign (1). Last evaluated 2026-01-26.

Allele frequency attached by ClinVar (database versions not stated): gnomAD exomes 0.00032 and 0.00073; ExAC 0.00096; 1000 Genomes Project 0.00120; 1000 Genomes Project 30x 0.00125; gnomAD 0.00320 and 0.00352; TOPMed 0.00346; ESP Exome Variant Server 0.00477.
gnomAD v4.1: 991 of 1,613,060 alleles (0.061%); highest among the groups gnomAD compares: African/African-American, 1.1%; 6 homozygotes.

Submissions (3):

Labcorp Genetics (formerly Invitae), Labcorp
Classification: Benign. Last evaluated: 2026-01-26. Review status: criteria provided, single submitter. Criteria: Invitae Variant Classification Sherloc (09022015). Collection method: clinical testing. Allele origin: germline.

Blueprint Genetics
Classification: Likely benign. Last evaluated: 2024-11-20. Review status: criteria provided, single submitter. Criteria: ACMG Guidelines, 2015. Collection method: clinical testing. Allele origin: germline.

GeneDx
Classification: Uncertain significance. Last evaluated: 2024-08-15. Review status: criteria provided, single submitter. Criteria: GeneDx Variant Classification Process June 2021. Collection method: clinical testing. Allele origin: germline. Affected: yes.
Comment: Nonsense variant predicted to result in protein truncation as the last 10 amino acids are lost; Has not been previously published in association with a BMP1-related disorder to our knowledge; Reported using an alternate transcript of the gene; This variant is associated with the following publications: (PMID: 28346524, 29089047)

NM_001199.4(BMP1):c.2161C>T (p.Arg721Ter)

Gene: BMP1 (bone morphogenetic protein 1; plus strand). Cytogenetic location: 8p21.3.
Variant type: single nucleotide variant.
Coding change: c.2161C>T on transcript NM_001199.4 (MANE Plus Clinical); coding-DNA position 2161, C replaced by T.
Protein change: p.Arg721Ter; replaces arginine 721 with a stop codon.
Molecular consequence: nonsense. On other transcripts: non-coding transcript variant (1), intron variant (1).
Genome position (GRCh38, 1-based): chr8:22,201,171, C>T. VCF-style: chr8-22201171-C-T. GRCh37 (hg19) VCF-style: chr8-22058684-C-T.
Other names: c.2108-632C>T (NM_006129.5); short protein forms R721*.
Identifiers: ClinVar variation 488762 (VCV000488762.14), dbSNP rs116360985, ClinGen allele CA4665088.